The following is an entry in ClinVar:

NM_014425.5(INVS):c.722C>T (p.Thr241Ile)

Gene: INVS (inversin; plus strand). Cytogenetic location: 9q31.1.
Variant type: single nucleotide variant.
Coding change: c.722C>T on transcript NM_014425.5 (MANE Select); coding-DNA position 722, C replaced by T.
Protein change: p.Thr241Ile; replaces threonine 241 with isoleucine.
Molecular consequence: missense variant. On other transcripts: 5 prime UTR variant (1), non-coding transcript variant (1).
Genome position (GRCh38, 1-based): chr9:100,240,166, C>T. VCF-style: chr9-100240166-C-T. GRCh37 (hg19) VCF-style: chr9-103002448-C-T.
Other names: c.434C>T, p.Thr145Ile (NM_001318381.2); c.-268C>T (NM_001318382.2); short protein forms T241I, T145I.
Identifiers: ClinVar variation 1438450 (VCV001438450.8), dbSNP rs1248564172, ClinGen allele CA374361692.

ClinVar aggregate classification (germline): Uncertain significance (1 of 4 stars; one submission).

Conditions:
Nephronophthisis. Also called: Juvenile Nephronophthisis. Identifiers: Orphanet 655, MedGen C0687120, MONDO:0019005, HP:0000090.

Allele frequency attached by ClinVar (database versions not stated): gnomAD exomes below 0.00001.
gnomAD v4.1: 1 of 1,613,896 alleles (0.000062%); highest among the groups gnomAD compares: South Asian, 0.0011%; no homozygotes.

Submission:

Labcorp Genetics (formerly Invitae), Labcorp
Classification: Uncertain significance for Nephronophthisis. Last evaluated: 2023-03-10. Review status: criteria provided, single submitter. Criteria: Invitae Variant Classification Sherloc (09022015). Collection method: clinical testing. Allele origin: germline.
Comment: In summary, the available evidence is currently insufficient to determine the role of this variant in disease. Therefore, it has been classified as a Variant of Uncertain Significance. An algorithm developed to predict the effect of missense changes on protein structure and function (PolyPhen-2) suggests that this variant is likely to be disruptive. ClinVar contains an entry for this variant (Variation ID: 1438450). This variant has not been reported in the literature in individuals affected with INVS-related conditions. This variant is present in population databases (no rsID available, gnomAD 0.003%). This sequence change replaces threonine, which is neutral and polar, with isoleucine, which is neutral and non-polar, at codon 241 of the INVS protein (p.Thr241Ile).